The following is an entry in ClinVar:

NM_003620.4(PPM1D):c.1018-11T>G

Gene: PPM1D (protein phosphatase, Mg2+/Mn2+ dependent 1D; plus strand). Cytogenetic location: 17q23.2.
Variant type: single nucleotide variant.
Coding change: c.1018-11T>G on transcript NM_003620.4 (MANE Select); 11 bases into the intron before coding-DNA position 1018, T replaced by G.
Molecular consequence: intron variant.
Genome position (GRCh38, 1-based): chr17:60,656,588, T>G. VCF-style: chr17-60656588-T-G. GRCh37 (hg19) VCF-style: chr17-58733949-T-G.
Identifiers: ClinVar variation 3376270 (VCV003376270.1).

ClinVar aggregate classification (germline): Uncertain significance (1 of 4 stars; one submission).

Conditions:
Intellectual developmental disorder with gastrointestinal difficulties and high pain threshold (JDVS). Also called: JANSEN-DE VRIES SYNDROME. Identifiers: Orphanet 653767, MedGen C4479517, MONDO:0044318, OMIM 617450.

Submission:

Pittsburgh Clinical Genomics Laboratory, University of Pittsburgh Medical Center
Classification: Uncertain significance for Intellectual developmental disorder with gastrointestinal difficulties and high pain threshold. Last evaluated: 2023-03-20. Review status: criteria provided, single submitter. Criteria: ACMG Guidelines, 2015. Collection method: clinical testing. Allele origin: germline. Inheritance: Autosomal dominant inheritance. Affected: yes.
Comment: This sequence variant is a single nucleotide substitution (T>G) at the -11 position upstream of exon 5 of the PPM1D gene. This variant is predicted to disrupt the exon 5 splice acceptor site. This novel variant which has not been reported in clinical genetics databases or observed in the medical literature in individuals with PPM1D-related disease, to our knowledge. This variant is absent from the gnomAD population dataset (0/~250000 alleles). It is known that truncating variants in exons 5 and 6 of PPM1D cause disease (PMID: 28343630). However, abnormal splicing predictions for this variant have not been confirmed with in vitro or in vivo splicing assays, to our knowledge. Without further functiol or segregation data, there is insufficient data to determine if this variant is benign or pathogenic. Therefore, we consider it to be a variant of uncertain significance. ACMG Criteria: PM2, PP3

Literature cited by the submitters: PubMed 28343630.